The following is an entry in ClinVar:

ClinVar aggregate classification (germline): Uncertain significance. Review status: criteria provided, multiple submitters, no conflicts (2 of 4 stars). 4 submissions from 4 submitters: Uncertain significance (4). Last evaluated 2026-03-26.

Conditions:
VPS13B-related disorder. Also called: VPS13B-related condition.
Inborn genetic diseases. Identifiers: MedGen C0950123, MeSH D030342.
Cohen syndrome (COH1). Also called: PEPPER SYNDROME; Cutis verticis gyrata, retinitis pigmentosa, and sensorineural deafness. Identifiers: Orphanet 193, MedGen C0265223, MONDO:0008999, OMIM 216550.

Allele frequency attached by ClinVar (database versions not stated): gnomAD exomes 0.00001 and below 0.00001; TOPMed 0.00003.
gnomAD v4.1: 4 of 1,614,270 alleles (0.00025%); highest among the groups gnomAD compares: African/African-American, 0.0053%; no homozygotes.

Submissions (4):

PreventionGenetics, part of Exact Sciences
Classification: Uncertain significance for VPS13B-related condition. Last evaluated: 2026-03-26. Review status: criteria provided, single submitter. Criteria: ACMG Guidelines, 2015. Collection method: clinical testing. Allele origin: germline.
Comment: The VPS13B c.10468A>G variant is predicted to result in the amino acid substitution p.Ile3490Val. To our knowledge, this variant has not been reported in the literature. This variant is reported in 0.018% of alleles in individuals of African descent in gnomAD. At this time, the clinical significance of this variant is uncertain due to the absence of conclusive functional and genetic evidence.

Ambry Genetics
Classification: Uncertain significance for Inborn genetic diseases. Last evaluated: 2023-01-23. Review status: criteria provided, single submitter. Criteria: Ambry Variant Classification Scheme 2023. Collection method: clinical testing. Allele origin: germline.

Labcorp Genetics (formerly Invitae), Labcorp
Classification: Uncertain significance for Cohen syndrome. Last evaluated: 2022-07-06. Review status: criteria provided, single submitter. Criteria: Invitae Variant Classification Sherloc (09022015). Collection method: clinical testing. Allele origin: germline.
Comment: This sequence change replaces isoleucine, which is neutral and non-polar, with valine, which is neutral and non-polar, at codon 3515 of the VPS13B protein (p.Ile3515Val). This variant is present in population databases (rs398124325, gnomAD 0.02%). This variant has not been reported in the literature in individuals affected with VPS13B-related conditions. ClinVar contains an entry for this variant (Variation ID: 95822). Algorithms developed to predict the effect of missense changes on protein structure and function output the following: SIFT: "Not Available"; PolyPhen-2: "Benign"; Align-GVGD: "Not Available". The valine amino acid residue is found in multiple mammalian species, which suggests that this missense change does not adversely affect protein function. In summary, the available evidence is currently insufficient to determine the role of this variant in disease. Therefore, it has been classified as a Variant of Uncertain Significance.

Eurofins Ntd Llc (ga)
Classification: Uncertain significance. Last evaluated: 2012-12-06. Review status: criteria provided, single submitter. Criteria: EGL Classification Definitions 2015. Collection method: clinical testing. Allele origin: germline. Observed: 1 variant allele, 1 heterozygote.

NM_152564.5(VPS13B):c.10468A>G (p.Ile3490Val)

Gene: VPS13B (vacuolar protein sorting 13 homolog B; plus strand). Cytogenetic location: 8q22.2.
Variant type: single nucleotide variant.
Coding change: c.10468A>G on transcript NM_152564.5 (MANE Select); coding-DNA position 10468, A replaced by G.
Protein change: p.Ile3490Val; replaces isoleucine 3490 with valine.
Molecular consequence: missense variant.
Genome position (GRCh38, 1-based): chr8:99,853,857, A>G. VCF-style: chr8-99853857-A-G. GRCh37 (hg19) VCF-style: chr8-100866085-A-G.
Other names: c.10543A>G (NM_017890.3); c.10543A>G, p.Ile3515Val (NM_017890.5); c.10468A>G (NM_152564.4); short protein forms I3490V.
Identifiers: ClinVar variation 95822 (VCV000095822.14), dbSNP rs398124325, ClinGen allele CA223333.